The following is an entry in ClinVar:

NM_032608.7(MYO18B):c.1214C>T (p.Ala405Val)

Gene: MYO18B (myosin XVIIIB; plus strand). Cytogenetic location: 22q12.1.
Variant type: single nucleotide variant.
Coding change: c.1214C>T on transcript NM_032608.7 (MANE Select); coding-DNA position 1214, C replaced by T.
Protein change: p.Ala405Val; replaces alanine 405 with valine.
Molecular consequence: missense variant.
Genome position (GRCh38, 1-based): chr22:25,769,130, C>T. VCF-style: chr22-25769130-C-T. GRCh37 (hg19) VCF-style: chr22-26165097-C-T.
Other names: c.1214C>T, p.Ala405Val (NM_001318245.2); short protein forms A405V.
Identifiers: ClinVar variation 1374804 (VCV001374804.4), dbSNP rs1478681592, ClinGen allele CA411004390.

ClinVar aggregate classification (germline): Uncertain significance (1 of 4 stars; one submission).

Allele frequency attached by ClinVar (database versions not stated): gnomAD exomes below 0.00001; TOPMed below 0.00001; gnomAD 0.00001.
gnomAD v4.1: 3 of 1,613,506 alleles (0.00019%); highest among the groups gnomAD compares: Admixed American, 0.0017%; no homozygotes.

Submission:

Labcorp Genetics (formerly Invitae), Labcorp
Classification: Uncertain significance. Last evaluated: 2022-03-02. Review status: criteria provided, single submitter. Criteria: Invitae Variant Classification Sherloc (09022015). Collection method: clinical testing. Allele origin: germline.
Comment: This sequence change replaces alanine with valine at codon 405 of the MYO18B protein (p.Ala405Val). The alanine residue is weakly conserved and there is a small physicochemical difference between alanine and valine. In summary, the available evidence is currently insufficient to determine the role of this variant in disease. Therefore, it has been classified as a Variant of Uncertain Significance. Algorithms developed to predict the effect of missense changes on protein structure and function output the following: SIFT: "Not Available"; PolyPhen-2: "Benign"; Align-GVGD: "Not Available". The valine amino acid residue is found in multiple mammalian species, which suggests that this missense change does not adversely affect protein function. This variant has not been reported in the literature in individuals affected with MYO18B-related conditions. This variant is present in population databases (no rsID available, gnomAD no frequency).